The following is an entry in ClinVar:

NM_006767.4(LZTR1):c.2127dup (p.Ile710fs)

Gene: LZTR1 (leucine zipper like post translational regulator 1; plus strand). Cytogenetic location: 22q11.21.
Variant type: Duplication.
Coding change: c.2127dup on transcript NM_006767.4 (MANE Select); coding-DNA position 2127, one base duplicated (C; older notation c.2127dupC).
Protein change: p.Ile710fs; shifts the reading frame from isoleucine 710.
Molecular consequence: frameshift variant.
Genome position (GRCh38, 1-based): chr22:20,996,020, C duplicated; the last of 2 consecutive C bases (chr22:20,996,019-20,996,020); duplicating either gives the same sequence. VCF-style (leftmost placement, unchanged base first): chr22-20996018-T-TC. GRCh37 (hg19) VCF-style: chr22-21350307-T-TC.
Other names: c.2127dup (NM_006767.3); short protein forms I710fs.
Identifiers: ClinVar variation 1960868 (VCV001960868.8), dbSNP rs1188943579, ClinGen allele CA1024232200.

ClinVar aggregate classification (germline): Pathogenic/Likely pathogenic. Review status: criteria provided, multiple submitters, no conflicts (2 of 4 stars). 3 submissions from 3 submitters: Pathogenic (2); Likely pathogenic (1). Last evaluated 2026-03-01.

Conditions:
LZTR1-related disorder. Also called: LZTR1-related disorders; LZTR1-related condition.

Submissions (3):

CeGaT Center for Human Genetics Tuebingen
Classification: Pathogenic. Last evaluated: 2026-03-01. Review status: criteria provided, single submitter. Criteria: CeGaT Center For Human Genetics Tuebingen Variant Classification Criteria Version 2. Collection method: clinical testing. Allele origin: germline. Affected: yes. Observed: 1 variant allele.
Comment: LZTR1: PVS1, PM2

Labcorp Genetics (formerly Invitae), Labcorp
Classification: Pathogenic. Last evaluated: 2022-05-03. Review status: criteria provided, single submitter. Criteria: Invitae Variant Classification Sherloc (09022015). Collection method: clinical testing. Allele origin: germline.
Comment: For these reasons, this variant has been classified as Pathogenic. This variant has not been reported in the literature in individuals affected with LZTR1-related conditions. This variant is not present in population databases (gnomAD no frequency). This sequence change creates a premature translational stop signal (p.Ile710Hisfs*72) in the LZTR1 gene. It is expected to result in an absent or disrupted protein product. Loss-of-function variants in LZTR1 are known to be pathogenic (PMID: 24362817, 25335493, 25480913, 25795793, 29469822, 30442762, 30442766, 30481304, 30859559).

Rady Children's Institute for Genomic Medicine, Rady Children's Hospital San Diego
Classification: Likely pathogenic for LZTR1-related disorders. Review status: criteria provided, single submitter. Criteria: ACMG Guidelines, 2015. Collection method: clinical testing. Allele origin: germline. Affected: yes.
Comment: This frameshifting variant in exon 18 of 21 is predicted to result in loss of normal protein function through either protein truncation or nonsense-mediated mRNA decay. This variant has not been previously reported or functionally characterized in the literature to our knowledge. It is absent from the gnomAD population database and thus presumed to be rare. Based on the available evidence, the c.2127dup (p.Ile710HisfsTer72) variant is classified as Likely Pathogenic.

Literature cited by the submitters: PubMed 24362817 (cited by Labcorp Genetics (formerly Invitae), Labcorp); PubMed 25335493 (cited by Labcorp Genetics (formerly Invitae), Labcorp); PubMed 25480913 (cited by Labcorp Genetics (formerly Invitae), Labcorp); PubMed 25795793 (cited by Labcorp Genetics (formerly Invitae), Labcorp); PubMed 29469822 (cited by Labcorp Genetics (formerly Invitae), Labcorp); PubMed 30442762 (cited by Labcorp Genetics (formerly Invitae), Labcorp); PubMed 30442766 (cited by Labcorp Genetics (formerly Invitae), Labcorp); PubMed 30481304 (cited by Labcorp Genetics (formerly Invitae), Labcorp); PubMed 30859559 (cited by Labcorp Genetics (formerly Invitae), Labcorp).